The following is an entry in ClinVar:

NM_030948.6(PHACTR1):c.664+2236C>A

Gene: PHACTR1 (phosphatase and actin regulator 1; plus strand). Cytogenetic location: 6p24.1.
Variant type: single nucleotide variant.
Coding change: c.664+2236C>A on transcript NM_030948.6 (MANE Select); 2236 bases into the intron after coding-DNA position 664, C replaced by A.
Molecular consequence: intron variant. On other transcripts: missense variant (4).
Genome position (GRCh38, 1-based): chr6:13,184,922, C>A. VCF-style: chr6-13184922-C-A. GRCh37 (hg19) VCF-style: chr6-13185154-C-A.
Other names: c.788C>A, p.Thr263Asn (NM_001322310.2, NM_001374582.1); c.512C>A, p.Thr171Asn (NM_001322313.2); c.791C>A, p.Thr264Asn (NM_001322314.4); c.664+2236C>A (NM_001242648.4, NM_001374581.2, NM_001322308.3 and 1 more transcripts); c.388+2236C>A (NM_001322312.3, NM_001322311.2, NM_001374583.2); short protein forms T263N, T264N, T171N.
Identifiers: ClinVar variation 5008663 (VCV005008663.1).

ClinVar aggregate classification (germline): Uncertain significance (1 of 4 stars; one submission).

gnomAD v4.1: 1 of 1,366,566 alleles (0.000073%); highest among the groups gnomAD compares: Non-Finnish European, 0.000098%; no homozygotes.

Submission:

GeneDx
Classification: Uncertain significance. Last evaluated: 2026-03-10. Review status: criteria provided, single submitter. Criteria: GeneDx Variant Classification Process June 2021. Collection method: clinical testing. Allele origin: germline.
Comment: Not observed at significant frequency in large population cohorts (gnomAD); In silico analysis suggests that this variant does not affect protein structure/function; Has not been previously published as pathogenic or benign to our knowledge; Reported using an alternate transcript of the gene